The following is an entry in ClinVar:

NM_003047.5(SLC9A1):c.2397C>G (p.Gly799=)

Gene: SLC9A1 (solute carrier family 9 member A1; minus strand). Cytogenetic location: 1p36.11.
Variant type: single nucleotide variant.
Coding change: c.2397C>G on transcript NM_003047.5 (MANE Select); coding-DNA position 2397, C replaced by G.
Protein change: p.Gly799=; no amino-acid change (glycine 799 retained).
Molecular consequence: synonymous variant. On other transcripts: non-coding transcript variant (1).
Genome position (GRCh38, 1-based): chr1:27,100,358, G>C on the plus strand (C>G on the coding strand, the complement: SLC9A1 is on the minus strand). VCF-style: chr1-27100358-G-C. GRCh37 (hg19) VCF-style: chr1-27426849-G-C.
Other names: c.2397C>G (NM_003047.4).
Identifiers: ClinVar variation 2069991 (VCV002069991.5), dbSNP rs148578867, ClinGen allele CA710795.

ClinVar aggregate classification (germline): Likely benign. Review status: criteria provided, multiple submitters, no conflicts (2 of 4 stars). 2 submissions from 2 submitters: Likely benign (2). Last evaluated 2026-04-25.

Conditions:
SLC9A1-related disorder. Also called: SLC9A1-related condition.

Allele frequency attached by ClinVar (database versions not stated): gnomAD exomes 0.00002; ExAC 0.00004; gnomAD 0.00018; ESP Exome Variant Server 0.00023; TOPMed 0.00037.
gnomAD v4.1: 59 of 1,566,132 alleles (0.0038%); highest among the groups gnomAD compares: Admixed American, 0.041%; no homozygotes.

Submissions (2):

PreventionGenetics, part of Exact Sciences
Classification: Likely benign for SLC9A1-related condition. Last evaluated: 2026-04-25. Review status: criteria provided, single submitter. Criteria: ACMG Guidelines, 2015. Collection method: clinical testing. Allele origin: germline.
Comment: This variant is classified as likely benign based on ACMG/AMP sequence variant interpretation guidelines (Richards et al. 2015 PMID: 25741868, with internal and published modifications).

Labcorp Genetics (formerly Invitae), Labcorp
Classification: Likely benign. Last evaluated: 2026-01-29. Review status: criteria provided, single submitter. Criteria: Invitae Variant Classification Sherloc (09022015). Collection method: clinical testing. Allele origin: germline.